The following is an entry in ClinVar:

NM_020975.6(RET):c.3044A>G (p.Tyr1015Cys)

Gene: RET (ret proto-oncogene; plus strand). Cytogenetic location: 10q11.21.
Variant type: single nucleotide variant.
Coding change: c.3044A>G on transcript NM_020975.6 (MANE Select); coding-DNA position 3044, A replaced by G.
Protein change: p.Tyr1015Cys; replaces tyrosine 1015 with cysteine.
Molecular consequence: missense variant.
Genome position (GRCh38, 1-based): chr10:43,126,579, A>G. VCF-style: chr10-43126579-A-G. GRCh37 (hg19) VCF-style: chr10-43622027-A-G.
Other names: c.3044A>G, p.Tyr1015Cys (NM_000323.2, NM_001406743.1, NM_001406744.1 and 4 more transcripts); c.2282A>G, p.Tyr761Cys (NM_001355216.2); c.2756A>G, p.Tyr919Cys (NM_001406770.1, NM_001406766.1, NM_001406767.1); c.2606A>G, p.Tyr869Cys (NM_001406771.1, NM_001406773.1); c.2648A>G, p.Tyr883Cys (NM_001406772.1, NM_001406769.1); c.2519A>G, p.Tyr840Cys (NM_001406774.1); c.2318A>G, p.Tyr773Cys (NM_001406775.1, NM_001406776.1, NM_001406777.1 and 1 more transcripts); c.1859A>G, p.Tyr620Cys (NM_001406789.1, NM_001406790.1, NM_001406788.1); and 10 more; short protein forms Y761C, Y1015C, Y673C, Y773C, Y869C, Y883C, Y919C, Y671C.
Identifiers: ClinVar variation 971865 (VCV000971865.14), dbSNP rs1438192223, ClinGen allele CA376558276.

ClinVar aggregate classification (germline): Uncertain significance. Review status: criteria provided, multiple submitters, no conflicts (2 of 4 stars). 5 submissions from 5 submitters: Uncertain significance (5). Last evaluated 2026-01-26.

Conditions:
Hereditary cancer-predisposing syndrome. Also called: Hereditary Cancer Syndrome; Hereditary neoplastic syndrome; Tumor predisposition; Neoplastic Syndromes, Hereditary. Identifiers: Orphanet 140162, MedGen C0027672, MeSH D009386, MONDO:0015356.
RET-related disorder. Also called: RET-related condition; RET-related disease; RET-related disorders.
Multiple endocrine neoplasia type 2B. Also called: Multiple endocrine neoplasia, type 3; MEN 2B; MULTIPLE ENDOCRINE NEOPLASIA, TYPE IIB; MUCOSAL NEUROMA SYNDROME; Multiple Endocrine Neoplasia Type 2B (MEN2B); MEN IIB. Identifiers: Orphanet 247709, Orphanet 653, MedGen C0025269, MeSH D018814, MONDO:0008082, OMIM 162300.
Hirschsprung disease, susceptibility to, 1 (HSCR1). Also called: RET-Related Hirschsprung Disease. Identifiers: Orphanet 388, MedGen C3888239, MONDO:0007723, OMIM 142623.
Pheochromocytoma. Also called: MAX-Related Hereditary Paraganglioma-Pheochromocytoma Syndrome. Identifiers: Orphanet 29072, MedGen C0031511, MONDO:0008233, OMIM 171300, HP:0002666.
Multiple endocrine neoplasia type 2A. Also called: MULTIPLE ENDOCRINE NEOPLASIA, TYPE IIA; PTC SYNDROME; SIPPLE SYNDROME; MEN 2A; MEN-2A syndrome; Pheochromocytoma and amyloid producing medullary thyroid carcinoma. Identifiers: Orphanet 247698, Orphanet 653, MedGen C0025268, MeSH D018813, MONDO:0008234, OMIM 171400.
Familial medullary thyroid carcinoma (MTC). Also called: Thyroid cancer, familial medullary; MTC, familial; Familial Medullary Thyroid Carcinoma (FMTC). Identifiers: Orphanet 653, Orphanet 99361, MedGen C1833921, MONDO:0007958, OMIM 155240.
Multiple endocrine neoplasia, type 2 (MEN2). Identifiers: Orphanet 653, MedGen C4048306, MONDO:0019003. Disease mechanism: gain of function.

Allele frequency attached by ClinVar (database versions not stated): TOPMed below 0.00001; gnomAD 0.00001.
gnomAD v4.1: 2 of 1,613,748 alleles (0.00012%); highest among the groups gnomAD compares: African/African-American, 0.0013%; no homozygotes.

Submissions (5):

Labcorp Genetics (formerly Invitae), Labcorp
Classification: Uncertain significance for Multiple endocrine neoplasia, type 2. Last evaluated: 2026-01-26. Review status: criteria provided, single submitter. Criteria: Invitae Variant Classification Sherloc (09022015). Collection method: clinical testing. Allele origin: germline.
Comment: This sequence change replaces tyrosine, which is neutral and polar, with cysteine, which is neutral and slightly polar, at codon 1015 of the RET protein (p.Tyr1015Cys). This variant is not present in population databases (gnomAD no frequency). This variant has not been reported in the literature in individuals affected with RET-related conditions. ClinVar contains an entry for this variant (Variation ID: 971865). An algorithm developed to predict the effect of missense changes on protein structure and function (PolyPhen-2) suggests that this variant is likely to be disruptive. In summary, the available evidence is currently insufficient to determine the role of this variant in disease. Therefore, it has been classified as a Variant of Uncertain Significance.

Color Diagnostics, LLC DBA Color Health
Classification: Uncertain significance for Multiple endocrine neoplasia, type 2. Last evaluated: 2025-07-25. Review status: criteria provided, single submitter. Criteria: ACMG Guidelines, 2015. Collection method: clinical testing. Allele origin: germline.
Comment: This missense variant replaces tyrosine with cysteine at codon 1015 of the RET protein. Computational prediction suggests that this variant may have deleterious impact on protein structure and function. To our knowledge, functional studies have not been reported for this variant. This variant has not been reported in individuals affected with RET-related disorders in the literature. This variant has not been identified in the general population by the Genome Aggregation Database (gnomAD). The available evidence is insufficient to determine the role of this variant in disease conclusively. Therefore, this variant is classified as a Variant of Uncertain Significance.

Ambry Genetics
Classification: Uncertain significance for Hereditary cancer-predisposing syndrome. Last evaluated: 2024-07-06. Review status: criteria provided, single submitter. Criteria: Ambry Variant Classification Scheme 2023. Collection method: clinical testing. Allele origin: germline.
Comment: The p.Y1015C variant (also known as c.3044A>G), located in coding exon 19 of the RET gene, results from an A to G substitution at nucleotide position 3044. The tyrosine at codon 1015 is replaced by cysteine, an amino acid with highly dissimilar properties. This amino acid position is highly conserved in available vertebrate species. In addition, this alteration is predicted to be deleterious by in silico analysis. Since supporting evidence is limited at this time, the clinical significance of this alteration remains unclear.

PreventionGenetics, part of Exact Sciences
Classification: Uncertain significance for RET-related condition. Last evaluated: 2023-05-11. Review status: criteria provided, single submitter. Criteria: ACMG Guidelines, 2015. Collection method: clinical testing. Allele origin: germline.
Comment: The RET c.3044A>G variant is predicted to result in the amino acid substitution p.Tyr1015Cys. To our knowledge, this variant has not been reported in the literature or in a large population database, indicating this variant is rare. At this time, the clinical significance of this variant is uncertain due to the absence of conclusive functional and genetic evidence.

Fulgent Genetics
Classification: Uncertain significance for Hirschsprung disease, susceptibility to, 1; Familial medullary thyroid carcinoma; Multiple endocrine neoplasia type 2B; Pheochromocytoma; Multiple endocrine neoplasia type 2A. Last evaluated: 2021-10-13. Review status: criteria provided, single submitter. Criteria: ACMG Guidelines, 2015. Collection method: clinical testing. Allele origin: unknown.